The following is an entry in ClinVar:

ClinVar aggregate classification (germline): Uncertain significance. Review status: criteria provided, multiple submitters, no conflicts (2 of 4 stars). 2 submissions from 2 submitters: Uncertain significance (2). Last evaluated 2025-08-10.

Submissions (2):

Labcorp Genetics (formerly Invitae), Labcorp
Classification: Uncertain significance. Last evaluated: 2025-08-10. Review status: criteria provided, single submitter. Criteria: Invitae Variant Classification Sherloc (09022015). Collection method: clinical testing. Allele origin: germline.
Comment: This sequence change replaces alanine, which is neutral and non-polar, with valine, which is neutral and non-polar, at codon 316 of the GALNT12 protein (p.Ala316Val). This variant is not present in population databases (gnomAD no frequency). This variant has not been reported in the literature in individuals affected with GALNT12-related conditions. ClinVar contains an entry for this variant (Variation ID: 1767091). Invitae Evidence Modeling of protein sequence and biophysical properties (such as structural, functional, and spatial information, amino acid conservation, physicochemical variation, residue mobility, and thermodynamic stability) indicates that this missense variant is not expected to disrupt GALNT12 protein function with a negative predictive value of 80%. In summary, the available evidence is currently insufficient to determine the role of this variant in disease. Therefore, it has been classified as a Variant of Uncertain Significance.

Ambry Genetics
Classification: Uncertain significance. Last evaluated: 2021-12-25. Review status: criteria provided, single submitter. Criteria: Ambry Variant Classification Scheme 2023. Collection method: clinical testing. Allele origin: germline.
Comment: The p.A316V variant (also known as c.947C>T), located in coding exon 5 of the GALNT12 gene, results from a C to T substitution at nucleotide position 947. The alanine at codon 316 is replaced by valine, an amino acid with similar properties. This amino acid position is conserved. In addition, the in silico prediction for this alteration is inconclusive. Since supporting evidence is limited at this time, the clinical significance of this alteration remains unclear.

NM_024642.5(GALNT12):c.947C>T (p.Ala316Val)

Gene: GALNT12 (polypeptide N-acetylgalactosaminyltransferase 12; plus strand). Cytogenetic location: 9q22.33.
Variant type: single nucleotide variant.
Coding change: c.947C>T on transcript NM_024642.5 (MANE Select); coding-DNA position 947, C replaced by T.
Protein change: p.Ala316Val; replaces alanine 316 with valine.
Molecular consequence: missense variant.
Genome position (GRCh38, 1-based): chr9:98,835,278, C>T. VCF-style: chr9-98835278-C-T. GRCh37 (hg19) VCF-style: chr9-101597560-C-T.
Other names: short protein forms A316V.
Identifiers: ClinVar variation 1767091 (VCV001767091.3), dbSNP rs1836110896, ClinGen allele CA374219377.
Genomic context (GRCh38, chr9:98,835,278, plus strand): 5'-ACAGTGAAATAAGGATATCATACTTTTTTAGGTCTCCAACAATGGCTGGTGGGCTGTTTG[C>T]TGTGAGTAAGAAATATTTTGAATATCTGGGGTCTTATGATACAGGAATGGAAGTTTGGGG-3'
Protein context (NP_078918.3, residues 306-326): RSPTMAGGLF[Ala316Val]VSKKYFEYLG